The following is an entry in ClinVar:

NM_152594.3(SPRED1):c.11A>G (p.Glu4Gly)

Gene: SPRED1 (sprouty related EVH1 domain containing 1; plus strand). Cytogenetic location: 15q14.
Variant type: single nucleotide variant.
Coding change: c.11A>G on transcript NM_152594.3 (MANE Select); coding-DNA position 11, A replaced by G.
Protein change: p.Glu4Gly; replaces glutamic acid 4 with glycine.
Molecular consequence: missense variant.
Genome position (GRCh38, 1-based): chr15:38,253,196, A>G. VCF-style: chr15-38253196-A-G. GRCh37 (hg19) VCF-style: chr15-38545397-A-G.
Other names: short protein forms E4G.
Identifiers: ClinVar variation 4827638 (VCV004827638.1).

ClinVar aggregate classification (germline): Uncertain significance (1 of 4 stars; one submission).

Conditions:
Cardiovascular phenotype. Identifiers: MedGen CN230736.

gnomAD v4.1: 1 of 1,580,976 alleles (0.000063%); no homozygotes.

Submission:

Ambry Genetics
Classification: Uncertain significance for Cardiovascular phenotype. Last evaluated: 2026-03-13. Review status: criteria provided, single submitter. Criteria: Ambry Variant Classification Scheme 2023. Collection method: clinical testing. Allele origin: germline.
Comment: The p.E4G variant (also known as c.11A>G), located in coding exon 1 of the SPRED1 gene, results from an A to G substitution at nucleotide position 11. The glutamic acid at codon 4 is replaced by glycine, an amino acid with similar properties. This amino acid position is conserved. In addition, the in silico prediction for this alteration is inconclusive. Based on the available evidence, the clinical significance of this variant remains unclear.